The following is an entry in ClinVar:

ClinVar aggregate classification (germline): Uncertain significance. Review status: criteria provided, multiple submitters, no conflicts (2 of 4 stars). 2 submissions from 2 submitters: Uncertain significance (2). Last evaluated 2025-11-04.

gnomAD v4.1: 13 of 1,598,670 alleles (0.00081%); highest among the groups gnomAD compares: Middle Eastern, 0.017%; no homozygotes.

Submissions (2):

Labcorp Genetics (formerly Invitae), Labcorp
Classification: Uncertain significance. Last evaluated: 2025-11-04. Review status: criteria provided, single submitter. Criteria: Invitae Variant Classification Sherloc (09022015). Collection method: clinical testing. Allele origin: germline.
Comment: This sequence change replaces lysine, which is basic and polar, with arginine, which is basic and polar, at codon 747 of the LIG1 protein (p.Lys747Arg). The frequency data for this variant in the population databases is considered unreliable, as metrics indicate poor data quality at this position in the gnomAD database. This variant has not been reported in the literature in individuals affected with LIG1-related conditions. ClinVar contains an entry for this variant (Variation ID: 4047178). An algorithm developed to predict the effect of missense changes on protein structure and function (PolyPhen-2) suggests that this variant is likely to be disruptive. In summary, the available evidence is currently insufficient to determine the role of this variant in disease. Therefore, it has been classified as a Variant of Uncertain Significance.

Ambry Genetics
Classification: Uncertain significance. Last evaluated: 2025-05-05. Review status: criteria provided, single submitter. Criteria: Ambry Variant Classification Scheme 2023. Collection method: clinical testing. Allele origin: germline.

NM_000234.3(LIG1):c.2240A>G (p.Lys747Arg)

Gene: LIG1 (DNA ligase 1; minus strand). Cytogenetic location: 19q13.33.
Variant type: single nucleotide variant.
Coding change: c.2240A>G on transcript NM_000234.3 (MANE Select); coding-DNA position 2240, A replaced by G.
Protein change: p.Lys747Arg; replaces lysine 747 with arginine.
Molecular consequence: missense variant. On other transcripts: non-coding transcript variant (6).
Genome position (GRCh38, 1-based): chr19:48,121,315, T>C on the plus strand (A>G on the coding strand, the complement: LIG1 is on the minus strand). VCF-style: chr19-48121315-T-C. GRCh37 (hg19) VCF-style: chr19-48624572-T-C.
Other names: c.2147A>G, p.Lys716Arg (NM_001289063.2); c.2036A>G, p.Lys679Arg (NM_001289064.2); c.2237A>G, p.Lys746Arg (NM_001320970.2); c.2150A>G, p.Lys717Arg (NM_001320971.2); short protein forms K747R, K717R, K716R, K679R, K746R.
Identifiers: ClinVar variation 4047178 (VCV004047178.2).